The following is an entry in ClinVar:

ClinVar aggregate classification (germline): Uncertain significance. Review status: criteria provided, multiple submitters, no conflicts (2 of 4 stars). 2 submissions from 2 submitters: Uncertain significance (2). Last evaluated 2025-10-02.

gnomAD v4.1: 19 of 1,577,482 alleles (0.0012%); highest among the groups gnomAD compares: Non-Finnish European, 0.0015%; no homozygotes.

Submissions (2):

Labcorp Genetics (formerly Invitae), Labcorp
Classification: Uncertain significance. Last evaluated: 2025-10-02. Review status: criteria provided, single submitter. Criteria: Invitae Variant Classification Sherloc (09022015). Collection method: clinical testing. Allele origin: germline.
Comment: This sequence change replaces leucine, which is neutral and non-polar, with histidine, which is basic and polar, at codon 25 of the SLC25A21 protein (p.Leu25His). This variant is present in population databases (rs746626432, gnomAD 0.009%). This variant has not been reported in the literature in individuals affected with SLC25A21-related conditions. ClinVar contains an entry for this variant (Variation ID: 3319202). Invitae Evidence Modeling of protein sequence and biophysical properties (such as structural, functional, and spatial information, amino acid conservation, physicochemical variation, residue mobility, and thermodynamic stability) indicates that this missense variant is expected to disrupt SLC25A21 protein function with a positive predictive value of 80%. In summary, the available evidence is currently insufficient to determine the role of this variant in disease. Therefore, it has been classified as a Variant of Uncertain Significance.

Ambry Genetics
Classification: Uncertain significance. Last evaluated: 2024-06-17. Review status: criteria provided, single submitter. Criteria: Ambry Variant Classification Scheme 2023. Collection method: clinical testing. Allele origin: germline.

NM_030631.4(SLC25A21):c.74T>A (p.Leu25His)

Gene: SLC25A21 (solute carrier family 25 member 21; minus strand). Cytogenetic location: 14q13.3.
Variant type: single nucleotide variant.
Coding change: c.74T>A on transcript NM_030631.4 (MANE Select); coding-DNA position 74, T replaced by A.
Protein change: p.Leu25His; replaces leucine 25 with histidine.
Molecular consequence: missense variant.
Genome position (GRCh38, 1-based): chr14:36,875,001, A>T on the plus strand (T>A on the coding strand, the complement: SLC25A21 is on the minus strand). VCF-style: chr14-36875001-A-T. GRCh37 (hg19) VCF-style: chr14-37344206-A-T.
Other names: c.74T>A, p.Leu25His (NM_001171170.2); short protein forms L25H.
Identifiers: ClinVar variation 3319202 (VCV003319202.2).